The following is an entry in ClinVar:

NM_001348323.3(TRIP12):c.1823C>T (p.Ala608Val)

Gene: TRIP12 (thyroid hormone receptor interactor 12; minus strand). Cytogenetic location: 2q36.3.
Variant type: single nucleotide variant.
Coding change: c.1823C>T on transcript NM_001348323.3 (MANE Select); coding-DNA position 1823, C replaced by T.
Protein change: p.Ala608Val; replaces alanine 608 with valine.
Molecular consequence: missense variant.
Genome position (GRCh38, 1-based): chr2:229,814,234, G>A on the plus strand (C>T on the coding strand, the complement: TRIP12 is on the minus strand). VCF-style: chr2-229814234-G-A. GRCh37 (hg19) VCF-style: chr2-230678950-G-A.
Other names: c.1823C>T, p.Ala608Val (NM_001284214.2, NM_001348315.2, NM_001348319.1 and 11 more transcripts); c.1697C>T, p.Ala566Val (NM_001284215.2, NM_001348316.2, NM_001348317.1 and 2 more transcripts); c.788C>T, p.Ala263Val (NM_001284216.2); c.1736C>T, p.Ala579Val (NM_001348332.1); c.1679C>T, p.Ala560Val (NM_004238.3); c.1823C>T (NM_001284214.1); short protein forms A579V, A608V, A566V, A263V, A560V.
Identifiers: ClinVar variation 2395062 (VCV002395062.26), dbSNP rs139703319, ClinGen allele CA2153169.
Genomic context (GRCh38, chr2:229,814,234, plus strand): 5'-GTGGATTTTAAAAATTCTACATAAAGTGAAATGTAGTCCCCTTCAGTAACAACACTTACC[G>A]CCTGTAGAATGGCTTTACTATGTCTCCGTGACAACATCTCCAAGGCAGTCAAGGCCTGCT-3'
Protein context (NP_001335252.1, residues 598-618): SRRHSKAILQ[Ala608Val]GGLADCLLYL

ClinVar aggregate classification (germline): Conflicting classifications of pathogenicity. Review status: criteria provided, conflicting classifications (1 of 4 stars). 4 submissions from 4 submitters: Uncertain significance (1); Likely benign (2). 1 of the submissions does not count toward it. Last evaluated 2026-09-01.

Conditions:
TRIP12-related disorder. Also called: TRIP12-related condition.
Inborn genetic diseases. Identifiers: MedGen C0950123, MeSH D030342.
Clark-Baraitser syndrome. Also called: Intellectual disability, autosomal dominant 49; MENTAL RETARDATION, AUTOSOMAL DOMINANT 49; BARAITSER SYNDROME; Mental retardation, tall stature, obesity, macrocephaly and typical facial features. Identifiers: Orphanet 600731, MedGen C2931130, MONDO:0030914, OMIM 617752.

Allele frequency attached by ClinVar (database versions not stated): gnomAD 0.00021; TOPMed 0.00025; ExAC 0.00026; ESP Exome Variant Server 0.00031.
gnomAD v4.1: 518 of 1,613,716 alleles (0.032%); highest among the groups gnomAD compares: Non-Finnish European, 0.038%; 1 homozygote.

Submissions (4):

CeGaT Center for Human Genetics Tuebingen
Classification: Likely benign. Last evaluated: 2026-09-01. Review status: criteria provided, single submitter. Criteria: CeGaT Center For Human Genetics Tuebingen Variant Classification Criteria Version 2. Collection method: clinical testing. Allele origin: germline. Affected: yes. Observed: 2 variant alleles.
Comment: TRIP12: PP2, BS1

Ambry Genetics
Classification: Likely benign for Inborn genetic diseases. Last evaluated: 2021-11-15. Review status: criteria provided, single submitter. Criteria: Ambry Variant Classification Scheme 2023. Collection method: clinical testing. Allele origin: germline.

Revvity Omics, Revvity
Classification: Uncertain significance for Clark-Baraitser syndrome. Last evaluated: 2021-01-27. Review status: criteria provided, single submitter. Criteria: ACMG Guidelines, 2015. Collection method: clinical testing. Allele origin: germline.

PreventionGenetics, part of Exact Sciences
Classification: Likely benign for TRIP12-related condition. Last evaluated: 2022-04-21. Review status: no assertion criteria provided. Collection method: clinical testing. Allele origin: germline. Not counted in ClinVar's aggregate classification.
Comment: This variant is classified as likely benign based on ACMG/AMP sequence variant interpretation guidelines (Richards et al. 2015 PMID: 25741868, with internal and published modifications).